The following is an entry in ClinVar:

NM_018060.4(IARS2):c.1207G>A (p.Gly403Ser)

Gene: IARS2 (isoleucyl-tRNA synthetase 2, mitochondrial; plus strand). Cytogenetic location: 1q41.
Variant type: single nucleotide variant.
Coding change: c.1207G>A on transcript NM_018060.4 (MANE Select); coding-DNA position 1207, G replaced by A.
Protein change: p.Gly403Ser; replaces glycine 403 with serine.
Molecular consequence: missense variant.
Genome position (GRCh38, 1-based): chr1:220,106,031, G>A. VCF-style: chr1-220106031-G-A. GRCh37 (hg19) VCF-style: chr1-220279373-G-A.
Other names: c.1207G>A (NM_018060.3); short protein forms G403S.
Identifiers: ClinVar variation 1420933 (VCV001420933.4), dbSNP rs201122237, ClinGen allele CA1401337.

ClinVar aggregate classification (germline): Conflicting classifications of pathogenicity. Review status: criteria provided, conflicting classifications (1 of 4 stars). 3 submissions from 3 submitters: Uncertain significance (2); Likely benign (1). Last evaluated 2023-02-27.

Conditions:
Inborn genetic diseases. Identifiers: MedGen C0950123, MeSH D030342.

Allele frequency attached by ClinVar (database versions not stated): gnomAD exomes 0.00003 and 0.00004; 1000 Genomes Project 0.00020; 1000 Genomes Project 30x 0.00031.
gnomAD v4.1: 47 of 1,613,822 alleles (0.0029%); highest among the groups gnomAD compares: Middle Eastern, 0.016%; no homozygotes.

Submissions (3):

GeneDx
Classification: Uncertain significance. Last evaluated: 2023-02-27. Review status: criteria provided, single submitter. Criteria: GeneDx Variant Classification Process June 2021. Collection method: clinical testing. Allele origin: germline. Affected: yes.
Comment: Not observed at significant frequency in large population cohorts (gnomAD); In silico analysis supports that this missense variant does not alter protein structure/function; Has not been previously published as pathogenic or benign to our knowledge

Labcorp Genetics (formerly Invitae), Labcorp
Classification: Uncertain significance. Last evaluated: 2022-06-27. Review status: criteria provided, single submitter. Criteria: Invitae Variant Classification Sherloc (09022015). Collection method: clinical testing. Allele origin: germline.
Comment: This sequence change replaces glycine, which is neutral and non-polar, with serine, which is neutral and polar, at codon 403 of the IARS2 protein (p.Gly403Ser). This variant is present in population databases (rs201122237, gnomAD 0.009%). This variant has not been reported in the literature in individuals affected with IARS2-related conditions. Algorithms developed to predict the effect of missense changes on protein structure and function output the following: SIFT: "Tolerated"; PolyPhen-2: "Benign"; Align-GVGD: "Class C0". The serine amino acid residue is found in multiple mammalian species, which suggests that this missense change does not adversely affect protein function. In summary, the available evidence is currently insufficient to determine the role of this variant in disease. Therefore, it has been classified as a Variant of Uncertain Significance.

Ambry Genetics
Classification: Likely benign for Inborn genetic diseases. Last evaluated: 2022-03-29. Review status: criteria provided, single submitter. Criteria: Ambry Variant Classification Scheme 2023. Collection method: clinical testing. Allele origin: germline.